The following is an entry in ClinVar:

ClinVar aggregate classification (germline): Uncertain significance. Review status: reviewed by expert panel (3 of 4 stars). 4 submissions from 4 submitters: Uncertain significance (1). 3 of the submissions do not count toward it. Last evaluated 2025-01-15.

Conditions:
Hereditary thrombocytopenia and hematological cancer predisposition syndrome associated with RUNX1. Also called: Familial Platelet Disorder with Propensity to Acute Myelogenous Leukemia; Familial thrombocytopenia with propensity to acute myelogenous leukemia; PLATELET DISORDER, ASPIRIN-LIKE; RUNX1 Familial Platelet Disorder with Associated Myeloid Malignancies. Identifiers: Orphanet 71290, MedGen C1832388, MeSH C563324, MONDO:0100083, OMIM 601399.
Acute myeloid leukemia (AML). Also called: Acute myeloid leukemia, adult; AML adult; Acute non-lymphocytic leukemia; Acute granulocytic leukemia; Leukemia, acute myeloid, somatic; Leukemia, acute myelogenous, somatic. Identifiers: Orphanet 519, MedGen C0023467, MeSH D015470, MONDO:0018874, OMIM 601626, HP:0004808. Disease mechanism: Constitutively activated FLT3.
Inborn genetic diseases. Identifiers: MedGen C0950123, MeSH D030342.
Hereditary thrombocytopenia and hematologic cancer predisposition syndrome. Identifiers: Orphanet 71290, MedGen CN281654, MONDO:0011071.

Allele frequency attached by ClinVar (database versions not stated): gnomAD exomes below 0.00001; ExAC 0.00001.
gnomAD v4.1: 3 of 1,601,258 alleles (0.00019%); highest among the groups gnomAD compares: South Asian, 0.0033%; no homozygotes.

Submissions (4):

ClinGen Myeloid Malignancy Variant Curation Expert Panel
Classification: Uncertain significance for Hereditary thrombocytopenia and hematologic cancer predisposition syndrome. Last evaluated: 2025-01-15. Review status: reviewed by expert panel. Criteria: ClinGen MyeloMalig ACMG Specifications v2. Collection method: curation. Allele origin: germline. Inheritance: Autosomal dominant inheritance.
Comment: NM_001754.5(RUNX1):c.153G>T (p.Lys51Asn) is a missense variant which does not meet any ACMG/AMP criteria. In summary, the clinical significance of this variant is uncertain. ACMG/AMP criteria applied, as specified by the Myeloid Malignancy Variant Curation Expert Panel for RUNX1: None.

Ambry Genetics
Classification: Uncertain significance for Inborn genetic diseases. Last evaluated: 2025-05-15. Review status: criteria provided, single submitter. Criteria: Ambry Variant Classification Scheme 2023. Collection method: clinical testing. Allele origin: germline. Not counted in ClinVar's aggregate classification.
Comment: The p.K51N variant (also known as c.153G>T), located in coding exon 3 of the RUNX1 gene, results from a G to T substitution at nucleotide position 153. The lysine at codon 51 is replaced by asparagine, an amino acid with similar properties. This amino acid position is conserved. In addition, the in silico prediction for this alteration is inconclusive. Based on the available evidence, the clinical significance of this variant remains unclear.

Baylor Genetics
Classification: Uncertain significance for Acute myeloid leukemia. Last evaluated: 2023-11-14. Review status: criteria provided, single submitter. Criteria: ACMG Guidelines, 2015. Collection method: clinical testing. Allele origin: unknown. Not counted in ClinVar's aggregate classification.

Labcorp Genetics (formerly Invitae), Labcorp
Classification: Uncertain significance for Hereditary thrombocytopenia and hematological cancer predisposition syndrome associated with RUNX1. Last evaluated: 2022-08-26. Review status: criteria provided, single submitter. Criteria: Invitae Variant Classification Sherloc (09022015). Collection method: clinical testing. Allele origin: germline. Not counted in ClinVar's aggregate classification.
Comment: In summary, the available evidence is currently insufficient to determine the role of this variant in disease. Therefore, it has been classified as a Variant of Uncertain Significance. Algorithms developed to predict the effect of missense changes on protein structure and function are either unavailable or do not agree on the potential impact of this missense change (SIFT: "Tolerated"; PolyPhen-2: "Probably Damaging"; Align-GVGD: "Class C0"). This variant has not been reported in the literature in individuals affected with RUNX1-related conditions. This variant is present in population databases (rs780977528, gnomAD 0.003%). This sequence change replaces lysine, which is basic and polar, with asparagine, which is neutral and polar, at codon 51 of the RUNX1 protein (p.Lys51Asn).

NM_001754.5(RUNX1):c.153G>T (p.Lys51Asn)

Gene: RUNX1 (RUNX family transcription factor 1; minus strand). Cytogenetic location: 21q22.12.
Variant type: single nucleotide variant.
Coding change: c.153G>T on transcript NM_001754.5 (MANE Select); coding-DNA position 153, G replaced by T.
Protein change: p.Lys51Asn; replaces lysine 51 with asparagine.
Molecular consequence: missense variant.
Genome position (GRCh38, 1-based): chr21:34,887,041, C>A on the plus strand (G>T on the coding strand, the complement: RUNX1 is on the minus strand). VCF-style: chr21-34887041-C-A. GRCh37 (hg19) VCF-style: chr21-36259338-C-A.
Other names: NM_001754.5(RUNX1):c.153G>T; p.Lys51Asn; c.72G>T, p.Lys24Asn (NM_001001890.3, NM_001122607.2); short protein forms K24N, K51N.
Identifiers: ClinVar variation 2420457 (VCV002420457.9), dbSNP rs780977528, ClinGen allele CA10014582.
Genomic context (GRCh38, chr21:34,887,041, plus strand): 5'-CAGCTTGCCGGCCAGGGCAGCGCCGGCGTCCGGGGCGCCCAGCGGCAACGCCTCGCTCAT[C>A]TTGCCTGGGCTCAGCGCGGTGGAAGGCGGCGTGAAGCGGCGGCTCGTGCTGGCATCTACG-3'
Protein context (NP_001745.2, residues 41-61): TPPSTALSPG[Lys51Asn]MSEALPLGAP